The following is an entry in ClinVar:

NM_004655.4(AXIN2):c.2528A>G (p.Asp843Gly)

Gene: AXIN2 (axin 2; minus strand). Cytogenetic location: 17q24.1.
Variant type: single nucleotide variant.
Coding change: c.2528A>G on transcript NM_004655.4 (MANE Select); coding-DNA position 2528, A replaced by G.
Protein change: p.Asp843Gly; replaces aspartic acid 843 with glycine.
Molecular consequence: missense variant.
Genome position (GRCh38, 1-based): chr17:65,529,980, T>C on the plus strand (A>G on the coding strand, the complement: AXIN2 is on the minus strand). VCF-style: chr17-65529980-T-C. GRCh37 (hg19) VCF-style: chr17-63526098-T-C.
Other names: c.2333A>G, p.Asp778Gly (NM_001363813.1); short protein forms D843G, D778G.
Identifiers: ClinVar variation 4619831 (VCV004619831.1).

ClinVar aggregate classification (germline): Uncertain significance (1 of 4 stars; one submission).

Conditions:
Hereditary cancer-predisposing syndrome. Also called: Neoplastic Syndromes, Hereditary; Tumor predisposition; Hereditary Cancer Syndrome; Hereditary neoplastic syndrome. Identifiers: Orphanet 140162, MedGen C0027672, MeSH D009386, MONDO:0015356.

Submission:

Ambry Genetics
Classification: Uncertain significance for Hereditary cancer-predisposing syndrome. Last evaluated: 2025-11-24. Review status: criteria provided, single submitter. Criteria: Ambry Variant Classification Scheme 2023. Collection method: clinical testing. Allele origin: germline.
Comment: The p.D843G variant (also known as c.2528A>G), located in coding exon 10 of the AXIN2 gene, results from an A to G substitution at nucleotide position 2528. The aspartic acid at codon 843 is replaced by glycine, an amino acid with similar properties. This amino acid position is conserved. In addition, the in silico prediction for this alteration is inconclusive. Based on the available evidence, the clinical significance of this variant remains unclear.